The following is an entry in ClinVar:

ClinVar aggregate classification (germline): Uncertain significance. Review status: criteria provided, multiple submitters, no conflicts (2 of 4 stars). 2 submissions from 2 submitters: Uncertain significance (2). Last evaluated 2023-05-22.

Conditions:
Cardiovascular phenotype. Identifiers: MedGen CN230736.

Submissions (2):

Ambry Genetics
Classification: Uncertain significance for Cardiovascular phenotype. Last evaluated: 2023-05-22. Review status: criteria provided, single submitter. Criteria: Ambry Variant Classification Scheme 2023. Collection method: clinical testing. Allele origin: germline.
Comment: The p.A23T variant (also known as c.67G>A), located in coding exon 1 of the JPH2 gene, results from a G to A substitution at nucleotide position 67. The alanine at codon 23 is replaced by threonine, an amino acid with similar properties. This amino acid position is conserved. In addition, the in silico prediction for this alteration is inconclusive. Since supporting evidence is limited at this time, the clinical significance of this alteration remains unclear.

Laboratory for Molecular Medicine, Mass General Brigham Personalized Medicine
Classification: Uncertain significance. Last evaluated: 2021-04-26. Review status: criteria provided, single submitter. Criteria: ACMG Guidelines, 2015. Collection method: clinical testing. Allele origin: germline.
Comment: The p.Ala23Thr variant in JPH2 has not been previously reported in individuals with cardiomyopathy or in large population studies. Computational prediction tools and conservation analyses suggest that this variant may impact the protein, though this information is not predictive enough to determine pathogenicity. In summary, the clinical significance of this variant is uncertain. ACMG/AMP Criteria applied: PM2_Supporting, PP3.

NM_020433.5(JPH2):c.67G>A (p.Ala23Thr)

Gene: JPH2 (junctophilin 2; minus strand). Cytogenetic location: 20q13.12.
Variant type: single nucleotide variant.
Coding change: c.67G>A on transcript NM_020433.5 (MANE Select); coding-DNA position 67, G replaced by A.
Protein change: p.Ala23Thr; replaces alanine 23 with threonine.
Molecular consequence: missense variant.
Genome position (GRCh38, 1-based): chr20:44,186,639, C>T on the plus strand (G>A on the coding strand, the complement: JPH2 is on the minus strand). VCF-style: chr20-44186639-C-T. GRCh37 (hg19) VCF-style: chr20-42815279-C-T.
Other names: c.67G>A, p.Ala23Thr (NM_175913.4); short protein forms A23T.
Identifiers: ClinVar variation 2566239 (VCV002566239.3), dbSNP rs2515764845, ClinGen allele CA409095603.